The following is an entry in ClinVar:

ClinVar aggregate classification (germline): Uncertain significance. Review status: criteria provided, multiple submitters, no conflicts (2 of 4 stars). 2 submissions from 2 submitters: Uncertain significance (2). Last evaluated 2024-04-20.

Conditions:
Charcot-Marie-Tooth disease axonal type 2O. Also called: Charcot-Marie-Tooth disease, axonal, type 20; CHARCOT-MARIE-TOOTH NEUROPATHY, AXONAL, TYPE 2O; CHARCOT-MARIE-TOOTH DISEASE, AXONAL, AUTOSOMAL DOMINANT, TYPE 2O; Charcot-Marie-Tooth Neuropathy Type 2O. Identifiers: Orphanet 284232, MedGen C3280220, MONDO:0013644, OMIM 614228.

Submissions (2):

GeneDx
Classification: Uncertain significance. Last evaluated: 2024-04-20. Review status: criteria provided, single submitter. Criteria: GeneDx Variant Classification Process June 2021. Collection method: clinical testing. Allele origin: germline. Affected: yes.
Comment: Not observed at significant frequency in large population cohorts (gnomAD); In silico analysis indicates that this missense variant does not alter protein structure/function; Has not been previously published as pathogenic or benign to our knowledge; This variant is associated with the following publications: (PMID: 25512093, 25609763, 26100331)

Labcorp Genetics (formerly Invitae), Labcorp
Classification: Uncertain significance for Charcot-Marie-Tooth disease axonal type 2O. Last evaluated: 2023-07-31. Review status: criteria provided, single submitter. Criteria: Invitae Variant Classification Sherloc (09022015). Collection method: clinical testing. Allele origin: germline.
Comment: In summary, the available evidence is currently insufficient to determine the role of this variant in disease. Therefore, it has been classified as a Variant of Uncertain Significance. Advanced modeling of protein sequence and biophysical properties (such as structural, functional, and spatial information, amino acid conservation, physicochemical variation, residue mobility, and thermodynamic stability) performed at Invitae indicates that this missense variant is not expected to disrupt DYNC1H1 protein function. This variant has not been reported in the literature in individuals affected with DYNC1H1-related conditions. This variant is not present in population databases (gnomAD no frequency). This sequence change replaces glutamic acid, which is acidic and polar, with aspartic acid, which is acidic and polar, at codon 1126 of the DYNC1H1 protein (p.Glu1126Asp).

NM_001376.5(DYNC1H1):c.3378G>C (p.Glu1126Asp)

Gene: DYNC1H1 (dynein cytoplasmic 1 heavy chain 1; plus strand). Cytogenetic location: 14q32.31.
Variant type: single nucleotide variant.
Coding change: c.3378G>C on transcript NM_001376.5 (MANE Select); coding-DNA position 3378, G replaced by C.
Protein change: p.Glu1126Asp; replaces glutamic acid 1126 with aspartic acid.
Molecular consequence: missense variant.
Genome position (GRCh38, 1-based): chr14:101,995,030, G>C. VCF-style: chr14-101995030-G-C. GRCh37 (hg19) VCF-style: chr14-102461367-G-C.
Other names: short protein forms E1126D.
Identifiers: ClinVar variation 2819890 (VCV002819890.4), dbSNP rs2048042753, ClinGen allele CA391033796.